The following is an entry in ClinVar:

NM_001267550.2(TTN):c.97192+1G>C

Genes: TTN-AS1 (TTN antisense RNA 1; plus strand), TTN (titin; minus strand), LOC129935186 (ATAC-STARR-seq lymphoblastoid active region 16811; plus strand). Cytogenetic location: 2q31.2.
Variant type: single nucleotide variant.
Coding change: c.97192+1G>C on transcript NM_001267550.2 (MANE Select); the canonical splice donor site of the intron after coding-DNA position 97192, G replaced by C.
Molecular consequence: splice donor variant.
Genome position (GRCh38, 1-based): chr2:178,542,661, C>G on the plus strand (G>C on the coding strand, the complement: TTN is on the minus strand). VCF-style: chr2-178542661-C-G. GRCh37 (hg19) VCF-style: chr2-179407388-C-G.
Other names: c.69997+1G>C (NM_003319.4); c.70573+1G>C (NM_133437.4); c.70372+1G>C (NM_133432.3); c.89488+1G>C (NM_133378.4); c.92269+1G>C (NM_001256850.1).
Identifiers: ClinVar variation 2942701 (VCV002942701.3), dbSNP rs2468899667, ClinGen allele CA349441902.
Genomic context (GRCh38, chr2:178,542,661, plus strand): 5'-TTCAAATCAAAATTGGGTGACTGAACATCAACTTGCTTGTATCTTTGTCACACATCCTTA[C>G]CAAGAATGATAACTTTAATGGTTTCTGAAGTAGTTCCGGTAACATTCTTCAATTCAAGTG-3'

ClinVar aggregate classification (germline): Likely pathogenic (1 of 4 stars; one submission).

Conditions:
Dilated cardiomyopathy 1G (CMD1G). Identifiers: Orphanet 154, MedGen C1858763, MONDO:0011400, OMIM 604145.
Autosomal recessive limb-girdle muscular dystrophy type 2J (LGMDR10). Also called: MUSCULAR DYSTROPHY, LIMB-GIRDLE, AUTOSOMAL RECESSIVE 10; Limb-girdle muscular dystrophy, type 2J. Identifiers: Orphanet 140922, MedGen C1837342, MONDO:0012127, OMIM 608807.

Submission:

Labcorp Genetics (formerly Invitae), Labcorp
Classification: Likely pathogenic for Dilated cardiomyopathy 1G; Autosomal recessive limb-girdle muscular dystrophy type 2J. Last evaluated: 2022-12-26. Review status: criteria provided, single submitter. Criteria: Invitae Variant Classification Sherloc (09022015). Collection method: clinical testing. Allele origin: germline.
Comment: This sequence change affects a donor splice site in intron 348 of the TTN gene. It is expected to disrupt RNA splicing and likely results in a truncated or disrupted TTN protein. This variant is not present in population databases (gnomAD no frequency). Disruption of this splice site has been observed in individual(s) with TTN-related conditions (PMID: 28295036). Algorithms developed to predict the effect of sequence changes on RNA splicing suggest that this variant may disrupt the consensus splice site. In summary, the currently available evidence indicates that the variant is pathogenic, but additional data are needed to prove that conclusively. Therefore, this variant has been classified as Likely Pathogenic. This variant is located in the A band of TTN (PMID: 25589632). Truncating variants in this region are significantly overrepresented in patients affected with dilated cardiomyopathy (PMID: 25589632). Truncating variants in this region have also been reported in individuals affected with autosomal recessive centronuclear myopathy (PMID: 23975875).

Literature cited by the submitters: PubMed 28295036; PubMed 25589632; PubMed 23975875.